The following is an entry in ClinVar:

NM_207361.6(FREM2):c.2620C>T (p.His874Tyr)

Gene: FREM2 (FRAS1 related extracellular matrix 2; plus strand). Cytogenetic location: 13q13.3.
Variant type: single nucleotide variant.
Coding change: c.2620C>T on transcript NM_207361.6 (MANE Select); coding-DNA position 2620, C replaced by T.
Protein change: p.His874Tyr; replaces histidine 874 with tyrosine.
Molecular consequence: missense variant.
Genome position (GRCh38, 1-based): chr13:38,689,964, C>T. VCF-style: chr13-38689964-C-T. GRCh37 (hg19) VCF-style: chr13-39264101-C-T.
Other names: c.2620C>T (NM_207361.4, NM_207361.5); short protein forms H874Y.
Identifiers: ClinVar variation 2058093 (VCV002058093.4), dbSNP rs114555425, ClinGen allele CA6954644.

ClinVar aggregate classification (germline): Uncertain significance. Review status: criteria provided, multiple submitters, no conflicts (2 of 4 stars). 4 submissions from 4 submitters: Uncertain significance (3). 1 of the submissions does not count toward it. Last evaluated 2024-03-28.

Conditions:
FREM2-related disorder. Also called: FREM2-related condition.
Fraser syndrome 2 (FRASRS2). Identifiers: MedGen C4540036, MONDO:0054738, OMIM 617666.
Isolated cryptophthalmia. Also called: ANKYLOBLEPHARON, SIMPLE; Cryptophthalmos, unilateral or bilateral, isolated. Identifiers: Orphanet 91396, MedGen C1852453, MONDO:0007410, OMIM 123570.

Allele frequency attached by ClinVar (database versions not stated): gnomAD exomes 0.00005; ExAC 0.00021; gnomAD 0.00033; TOPMed 0.00038; ESP Exome Variant Server 0.00046; 1000 Genomes Project 0.00120; 1000 Genomes Project 30x 0.00141.
gnomAD v4.1: 118 of 1,614,154 alleles (0.0073%); highest among the groups gnomAD compares: African/African-American, 0.13%; no homozygotes.

Submissions (4):

Fulgent Genetics
Classification: Uncertain significance for Isolated cryptophthalmia; Fraser syndrome 2. Last evaluated: 2024-03-28. Review status: criteria provided, single submitter. Criteria: ACMG Guidelines, 2015. Collection method: clinical testing. Allele origin: germline.

Labcorp Genetics (formerly Invitae), Labcorp
Classification: Uncertain significance. Last evaluated: 2022-10-21. Review status: criteria provided, single submitter. Criteria: Invitae Variant Classification Sherloc (09022015). Collection method: clinical testing. Allele origin: germline.
Comment: This sequence change replaces histidine, which is basic and polar, with tyrosine, which is neutral and polar, at codon 874 of the FREM2 protein (p.His874Tyr). This variant is present in population databases (rs114555425, gnomAD 0.2%). This variant has not been reported in the literature in individuals affected with FREM2-related conditions. Advanced modeling of protein sequence and biophysical properties (such as structural, functional, and spatial information, amino acid conservation, physicochemical variation, residue mobility, and thermodynamic stability) performed at Invitae indicates that this missense variant is not expected to disrupt FREM2 protein function. In summary, the available evidence is currently insufficient to determine the role of this variant in disease. Therefore, it has been classified as a Variant of Uncertain Significance.

GeneDx
Classification: Uncertain significance. Last evaluated: 2022-08-23. Review status: criteria provided, single submitter. Criteria: GeneDx Variant Classification Process June 2021. Collection method: clinical testing. Allele origin: germline. Affected: yes.
Comment: In silico analysis supports that this missense variant has a deleterious effect on protein structure/function; Has not been previously published as pathogenic or benign to our knowledge

PreventionGenetics, part of Exact Sciences
Classification: Likely benign for FREM2-related condition. Last evaluated: 2024-09-04. Review status: no assertion criteria provided. Collection method: clinical testing. Allele origin: germline. Not counted in ClinVar's aggregate classification.
Comment: This variant is classified as likely benign based on ACMG/AMP sequence variant interpretation guidelines (Richards et al. 2015 PMID: 25741868, with internal and published modifications).